The following is an entry in ClinVar:

ClinVar aggregate classification (germline): Uncertain significance (1 of 4 stars; one submission).

Submission:

Labcorp Genetics (formerly Invitae), Labcorp
Classification: Uncertain significance. Last evaluated: 2021-04-06. Review status: criteria provided, single submitter. Criteria: Invitae Variant Classification Sherloc (09022015). Collection method: clinical testing. Allele origin: germline.
Comment: This sequence change falls in intron 5 of the SPP2 gene. It does not directly change the encoded amino acid sequence of the SPP2 protein. This variant is not present in population databases (ExAC no frequency). In summary, the available evidence is currently insufficient to determine the role of this variant in disease. Therefore, it has been classified as a Variant of Uncertain Significance. This variant has not been reported in the literature in individuals with SPP2-related conditions. Algorithms developed to predict the effect of sequence changes on RNA splicing suggest that this variant may disrupt the consensus splice site, but this prediction has not been confirmed by published transcriptional studies.

NM_006944.3(SPP2):c.500-8T>C

Gene: SPP2 (secreted phosphoprotein 2; plus strand). Cytogenetic location: 2q37.1.
Variant type: single nucleotide variant.
Coding change: c.500-8T>C on transcript NM_006944.3 (MANE Select); 8 bases into the intron before coding-DNA position 500, T replaced by C.
Molecular consequence: intron variant.
Genome position (GRCh38, 1-based): chr2:234,067,216, T>C. VCF-style: chr2-234067216-T-C. GRCh37 (hg19) VCF-style: chr2-234975860-T-C.
Identifiers: ClinVar variation 1408862 (VCV001408862.8), dbSNP rs2125466109, ClinGen allele CA2573135614.
Genomic context (GRCh38, chr2:234,067,216, plus strand): 5'-CAGTAAAGTCATAGAACATTCTGGAACAGTGAGAGGAGTCTTGTCTTATGATTATTACTG[T>C]GTTACAGGTCTCATTTCAGACGAGTCCATAAGTGAACAATTTTATGATCGGTCACTTGGT-3'